The following is an entry in ClinVar:

ClinVar aggregate classification (germline): Conflicting classifications of pathogenicity. Review status: criteria provided, conflicting classifications (1 of 4 stars). 4 submissions from 4 submitters: Uncertain significance (3); Likely benign (1). Last evaluated 2025-09-30.

Conditions:
Hereditary cancer-predisposing syndrome. Also called: Tumor predisposition; Neoplastic Syndromes, Hereditary; Hereditary Cancer Syndrome; Hereditary neoplastic syndrome. Identifiers: Orphanet 140162, MedGen C0027672, MeSH D009386, MONDO:0015356.
Familial cancer of breast. Also called: Hereditary breast cancer; BREAST CANCER, FAMILIAL; hereditary breast carcinoma. Identifiers: Orphanet 227535, MedGen C0346153, MONDO:0016419, OMIM 114480. Disease mechanism: loss of function.
Ataxia-telangiectasia syndrome (AT). Also called: ATAXIA-TELANGIECTASIA, COMPLEMENTATION GROUP A; ATAXIA-TELANGIECTASIA, FRESNO VARIANT; Ataxia-telangiectasia; Ataxia-telangiectasia, complementation group D; AT, COMPLEMENTATION GROUP C; Ataxia-telangiectasia, complementation group E. Identifiers: Orphanet 100, MedGen C0004135, MONDO:0008840, OMIM 208900.

gnomAD v4.1: 1 of 1,609,342 alleles (0.000062%); highest among the groups gnomAD compares: Non-Finnish European, 0.000085%; no homozygotes.

Submissions (4):

Ambry Genetics
Classification: Likely benign for Hereditary cancer-predisposing syndrome. Last evaluated: 2025-09-30. Review status: criteria provided, single submitter. Criteria: Ambry Variant Classification Scheme 2023. Collection method: clinical testing. Allele origin: germline.

Baylor Genetics
Classification: Uncertain significance for Familial cancer of breast. Last evaluated: 2023-10-18. Review status: criteria provided, single submitter. Criteria: ACMG Guidelines, 2015. Collection method: clinical testing. Allele origin: unknown.

Labcorp Genetics (formerly Invitae), Labcorp
Classification: Uncertain significance for Ataxia-telangiectasia syndrome. Last evaluated: 2023-01-28. Review status: criteria provided, single submitter. Criteria: Invitae Variant Classification Sherloc (09022015). Collection method: clinical testing. Allele origin: germline.
Comment: This sequence change replaces threonine, which is neutral and polar, with serine, which is neutral and polar, at codon 2751 of the ATM protein (p.Thr2751Ser). This variant is not present in population databases (gnomAD no frequency). This variant has not been reported in the literature in individuals affected with ATM-related conditions. ClinVar contains an entry for this variant (Variation ID: 853689). Algorithms developed to predict the effect of missense changes on protein structure and function (SIFT, PolyPhen-2, Align-GVGD) all suggest that this variant is likely to be tolerated. In summary, the available evidence is currently insufficient to determine the role of this variant in disease. Therefore, it has been classified as a Variant of Uncertain Significance.

GeneDx
Classification: Uncertain significance. Last evaluated: 2019-05-31. Review status: criteria provided, single submitter. Criteria: GeneDx Variant Classification Process June 2021. Collection method: clinical testing. Allele origin: germline. Affected: yes.
Comment: Not observed in large population cohorts (Lek et al., 2016); In silico analysis, which includes protein predictors and evolutionary conservation, supports that this variant does not alter protein structure/function; Has not been previously published as pathogenic or benign to our knowledge

NM_000051.4(ATM):c.8252C>G (p.Thr2751Ser)

Genes: ATM (ATM serine/threonine kinase; plus strand), C11orf65 (chromosome 11 open reading frame 65; minus strand). Cytogenetic location: 11q22.3.
Variant type: single nucleotide variant.
Coding change: c.8252C>G on transcript NM_000051.4 (MANE Select); coding-DNA position 8252, C replaced by G.
Protein change: p.Thr2751Ser; replaces threonine 2751 with serine.
Molecular consequence: missense variant. On other transcripts: intron variant (2).
Genome position (GRCh38, 1-based): chr11:108,335,945, C>G. VCF-style: chr11-108335945-C-G. GRCh37 (hg19) VCF-style: chr11-108206672-C-G.
Other names: c.8252C>G, p.Thr2751Ser (NM_001351834.2); c.641-26874G>C (NM_001330368.2); c.695-653G>C (NM_001351110.2); short protein forms T2751S.
Identifiers: ClinVar variation 853689 (VCV000853689.15), dbSNP rs2086800136, ClinGen allele CA382562672.
Genomic context (GRCh38, chr11:108,335,945, plus strand): 5'-TCTTCCAGATGTGTAATACATTACTGCAGAGAAACACGGAAACTAGGAAGAGGAAATTAA[C>G]TATCTGTACTTATAAGGTAACTATTTGTACTTCTGTTAGTTCACCAAAAACATATAAAAG-3'
Protein context (NP_000042.3, residues 2741-2761): RNTETRKRKL[Thr2751Ser]ICTYKVVPLS